The following is an entry in ClinVar:

NM_015208.5(ANKRD12):c.5327A>G (p.Asp1776Gly)

Gene: ANKRD12 (ankyrin repeat domain 12; plus strand). Cytogenetic location: 18p11.22.
Variant type: single nucleotide variant.
Coding change: c.5327A>G on transcript NM_015208.5 (MANE Select); coding-DNA position 5327, A replaced by G.
Protein change: p.Asp1776Gly; replaces aspartic acid 1776 with glycine.
Molecular consequence: missense variant.
Genome position (GRCh38, 1-based): chr18:9,258,594, A>G. VCF-style: chr18-9258594-A-G. GRCh37 (hg19) VCF-style: chr18-9258592-A-G.
Other names: c.5258A>G, p.Asp1753Gly (NM_001083625.3, NM_001204056.1); short protein forms D1753G, D1776G.
Identifiers: ClinVar variation 2633731 (VCV002633731.2), dbSNP rs76591416, ClinGen allele CA8888435.

ClinVar aggregate classification (germline): Uncertain significance (1 of 4 stars; one submission).

Conditions:
ANKRD12-related disorder. Also called: ANKRD12-related condition.

Allele frequency attached by ClinVar (database versions not stated): ExAC 0.00001; gnomAD 0.00001; gnomAD exomes 0.00001; 1000 Genomes Project 0.00020; 1000 Genomes Project 30x 0.00031.
gnomAD v4.1: 17 of 1,613,918 alleles (0.0011%); highest among the groups gnomAD compares: Non-Finnish European, 0.0014%; no homozygotes.

Submission:

PreventionGenetics, part of Exact Sciences
Classification: Uncertain significance for ANKRD12-related condition. Last evaluated: 2025-12-18. Review status: criteria provided, single submitter. Criteria: ACMG Guidelines, 2015. Collection method: clinical testing. Allele origin: germline.
Comment: The ANKRD12 c.5327A>G variant is predicted to result in the amino acid substitution p.Asp1776Gly. To our knowledge, this variant has not been reported in the literature. This variant is reported in 0.00088% of alleles in individuals of European (non-Finnish) descent in gnomAD. At this time, the clinical significance of this variant is uncertain due to the absence of conclusive functional and genetic evidence.